The following is an entry in ClinVar:

ClinVar aggregate classification (germline): Uncertain significance. Review status: criteria provided, multiple submitters, no conflicts (2 of 4 stars). 2 submissions from 2 submitters: Uncertain significance (2). Last evaluated 2026-02-09.

Conditions:
ISL1-related disorder. Also called: ISL1-related condition.

gnomAD v4.1: 76 of 1,614,230 alleles (0.0047%); highest among the groups gnomAD compares: Non-Finnish European, 0.0054%; no homozygotes.

Submissions (2):

PreventionGenetics, part of Exact Sciences
Classification: Uncertain significance for ISL1-related condition. Last evaluated: 2026-02-09. Review status: criteria provided, single submitter. Criteria: ACMG Guidelines, 2015. Collection method: clinical testing. Allele origin: germline.
Comment: The ISL1 c.344T>C variant is predicted to result in the amino acid substitution p.Ile115Thr. To our knowledge, this variant has not been reported in the literature. This variant is reported in 0.0088% of alleles in individuals of European (Non-Finnish) descent in gnomAD. At this time, the clinical significance of this variant is uncertain due to the absence of conclusive functional and genetic evidence.

Ambry Genetics
Classification: Uncertain significance. Last evaluated: 2024-05-24. Review status: criteria provided, single submitter. Criteria: Ambry Variant Classification Scheme 2023. Collection method: clinical testing. Allele origin: germline.

NM_002202.3(ISL1):c.344T>C (p.Ile115Thr)

Gene: ISL1 (ISL LIM homeobox 1; plus strand). Cytogenetic location: 5q11.1.
Variant type: single nucleotide variant.
Coding change: c.344T>C on transcript NM_002202.3 (MANE Select); coding-DNA position 344, T replaced by C.
Protein change: p.Ile115Thr; replaces isoleucine 115 with threonine.
Molecular consequence: missense variant.
Genome position (GRCh38, 1-based): chr5:51,387,615, T>C. VCF-style: chr5-51387615-T-C. GRCh37 (hg19) VCF-style: chr5-50683449-T-C.
Other names: short protein forms I115T.
Identifiers: ClinVar variation 3286609 (VCV003286609.2).